The following is an entry in ClinVar:

NM_003114.5(SPAG1):c.1119del (p.Ala374fs)

Gene: SPAG1 (sperm associated antigen 1; plus strand). Cytogenetic location: 8q22.2.
Variant type: Deletion.
Coding change: c.1119del on transcript NM_003114.5 (MANE Select); coding-DNA position 1119, one base deleted (C; older notation c.1119delC).
Protein change: p.Ala374fs; shifts the reading frame from alanine 374.
Molecular consequence: frameshift variant.
Genome position (GRCh38, 1-based): chr8:100,213,112, C deleted; the last of 2 consecutive C bases (chr8:100,213,111-100,213,112); deleting either gives the same sequence. VCF-style (leftmost placement, unchanged base first): chr8-100213110-GC-G. GRCh37 (hg19) VCF-style: chr8-101225338-GC-G.
Other names: c.1119del, p.Ala374fs (NM_001374321.1, NM_172218.3); c.1119delC (NM_172218.2); short protein forms A374fs.
Identifiers: ClinVar variation 1323640 (VCV001323640.8), dbSNP rs1244721341, ClinGen allele CA844564108.

ClinVar aggregate classification (germline): Pathogenic. Review status: criteria provided, multiple submitters, no conflicts (2 of 4 stars). 3 submissions from 3 submitters: Pathogenic (2). 1 of the submissions does not count toward it. Last evaluated 2025-10-21.

Conditions:
Primary ciliary dyskinesia 28. Also called: CILIARY DYSKINESIA, PRIMARY, 28, WITH OR WITHOUT SITUS INVERSUS. Identifiers: Orphanet 244, MedGen C3809706, MONDO:0014216, OMIM 615505.
Primary ciliary dyskinesia. Also called: Ciliary dyskinesia. Identifiers: Orphanet 244, MedGen C0008780, MONDO:0016575, HP:0012265.

Submissions (3):

Labcorp Genetics (formerly Invitae), Labcorp
Classification: Pathogenic for Primary ciliary dyskinesia 28. Last evaluated: 2025-10-21. Review status: criteria provided, single submitter. Criteria: Invitae Variant Classification Sherloc (09022015). Collection method: clinical testing. Allele origin: germline.
Comment: This sequence change creates a premature translational stop signal (p.Ala374Argfs*16) in the SPAG1 gene. It is expected to result in an absent or disrupted protein product. Loss-of-function variants in SPAG1 are known to be pathogenic (PMID: 24055112). This variant is not present in population databases (gnomAD no frequency). This premature translational stop signal has been observed in individual(s) with primary ciliary dyskinesia (PMID: 30067075). ClinVar contains an entry for this variant (Variation ID: 1323640). For these reasons, this variant has been classified as Pathogenic.

Revvity Omics, Revvity
Classification: Pathogenic for Primary ciliary dyskinesia 28. Last evaluated: 2020-04-05. Review status: criteria provided, single submitter. Criteria: ACMG Guidelines, 2015. Collection method: clinical testing. Allele origin: germline.

Yale Center for Mendelian Genomics, Yale University
Classification: Likely pathogenic for Primary ciliary dyskinesia. Last evaluated: 2018-08-01. Review status: no assertion criteria provided. Collection method: literature only. Allele origin: germline. Affected: yes. Observed: 1 compound heterozygote. Study: Yale Center for Mendelian Genomics. Not counted in ClinVar's aggregate classification.

Literature cited by the submitters: PubMed 24055112 (cited by Labcorp Genetics (formerly Invitae), Labcorp); PubMed 30067075 (cited by Labcorp Genetics (formerly Invitae), Labcorp and Yale Center for Mendelian Genomics, Yale University).